The following is an entry in ClinVar:

NM_001142800.2(EYS):c.837delinsAAGAGACAG (p.Cys280fs)

Gene: EYS (EGF-like photoreceptor maintenance factor; minus strand). Cytogenetic location: 6q12.
Variant type: Indel.
Coding change: c.837delinsAAGAGACAG on transcript NM_001142800.2 (MANE Select); coding-DNA position 837, T replaced by AAGAGACAG.
Protein change: p.Cys280fs; shifts the reading frame from cysteine 280.
Molecular consequence: frameshift variant.
Genome position (GRCh38, 1-based): chr6:65,490,619, A replaced by CTGTCTCTT on the plus strand (T replaced by AAGAGACAG on the coding strand, the reverse complement: EYS is on the minus strand). VCF-style: chr6-65490619-A-CTGTCTCTT. GRCh37 (hg19) VCF-style: chr6-66200512-A-CTGTCTCTT.
Other names: c.837delinsAAGAGACAG, p.Cys280fs (NM_001142801.2, NM_001292009.2, NM_198283.2); short protein forms C280fs.
Identifiers: ClinVar variation 5011136 (VCV005011136.1).

ClinVar aggregate classification (germline): Pathogenic (1 of 4 stars; one submission).

Conditions:
Retinitis pigmentosa 25 (RP25). Identifiers: Orphanet 791, MedGen C1864446, MONDO:0011272, OMIM 602772.

Submission:

Myriad Genetics, Inc.
Classification: Pathogenic for Retinitis pigmentosa 25. Last evaluated: 2024-05-14. Review status: criteria provided, single submitter. Criteria: Myriad Autosomal Dominant, Autosomal Recessive and X-Linked Classification Criteria (2023). Collection method: clinical testing. Allele origin: unknown.
Comment: NM_001142800.1(EYS):c.837del1ins9(C280Rfs*62) is expected to be pathogenic in the context of retinitis pigmentosa, EYS-related. This variant is predicted to lead to an abnormal or absent protein product due to the creation of a premature termination codon in EYS, a gene where loss-of-function variants are known to be pathogenic. Please note: this variant was assessed in the context of healthy population screening.